The following is an entry in ClinVar:

ClinVar aggregate classification (germline): Uncertain significance (1 of 4 stars; one submission).

Conditions:
Actin accumulation myopathy (CMYO2A). Also called: Myopathy, actin, congenital, with cores; Nemaline myopathy 3, with intranuclear rods; Nemaline myopathy type 3; Myopathy, actin, congenital, with excess of thin myofilaments; CONGENITAL MYOPATHY 2A, TYPICAL, AUTOSOMAL DOMINANT. Identifiers: Orphanet 98904, MedGen C3711389, MONDO:0008070, OMIM 161800.

gnomAD v4.1: 1 of 1,614,122 alleles (0.000062%); highest among the groups gnomAD compares: Non-Finnish European, 0.000085%; no homozygotes.

Submission:

Labcorp Genetics (formerly Invitae), Labcorp
Classification: Uncertain significance for Actin accumulation myopathy. Last evaluated: 2025-05-13. Review status: criteria provided, single submitter. Criteria: Invitae Variant Classification Sherloc (09022015). Collection method: clinical testing. Allele origin: germline.
Comment: This sequence change falls in intron 6 of the ACTA1 gene. It does not directly change the encoded amino acid sequence of the ACTA1 protein. It affects a nucleotide within the consensus splice site. This variant is not present in population databases (gnomAD no frequency). This variant has not been reported in the literature in individuals affected with ACTA1-related conditions. Variants that disrupt the consensus splice site are a relatively common cause of aberrant splicing (PMID: 17576681, 9536098). Algorithms developed to predict the effect of sequence changes on RNA splicing suggest that this variant is not likely to affect RNA splicing. In summary, the available evidence is currently insufficient to determine the role of this variant in disease. Therefore, it has been classified as a Variant of Uncertain Significance.

Literature cited by the submitters: PubMed 17576681; PubMed 9536098.

NM_001100.4(ACTA1):c.990+4G>A

Gene: ACTA1 (actin alpha 1, skeletal muscle; minus strand). Cytogenetic location: 1q42.13.
Variant type: single nucleotide variant.
Coding change: c.990+4G>A on transcript NM_001100.4 (MANE Select); 4 bases into the intron after coding-DNA position 990, G replaced by A.
Molecular consequence: intron variant.
Genome position (GRCh38, 1-based): chr1:229,431,717, C>T on the plus strand (G>A on the coding strand, the complement: ACTA1 is on the minus strand). VCF-style: chr1-229431717-C-T. GRCh37 (hg19) VCF-style: chr1-229567464-C-T.
Identifiers: ClinVar variation 4776557 (VCV004776557.1).